The following is an entry in ClinVar:

ClinVar aggregate classification (germline): Uncertain significance (1 of 4 stars; one submission).

Conditions:
Hereditary cancer-predisposing syndrome. Also called: Neoplastic Syndromes, Hereditary; Tumor predisposition; Hereditary Cancer Syndrome; Hereditary neoplastic syndrome. Identifiers: Orphanet 140162, MedGen C0027672, MeSH D009386, MONDO:0015356.

Submission:

Ambry Genetics
Classification: Uncertain significance for Hereditary cancer-predisposing syndrome. Last evaluated: 2025-12-11. Review status: criteria provided, single submitter. Criteria: Ambry Variant Classification Scheme 2023. Collection method: clinical testing. Allele origin: germline.
Comment: The p.F767I variant (also known as c.2299T>A), located in coding exon 9 of the MET gene, results from a T to A substitution at nucleotide position 2299. The phenylalanine at codon 767 is replaced by isoleucine, an amino acid with highly similar properties. This amino acid position is conserved. In addition, this alteration is predicted to be tolerated by in silico analysis. Based on the available evidence, the clinical significance of this variant remains unclear.

NM_000245.4(MET):c.2265-20T>A

Gene: MET (MET proto-oncogene, receptor tyrosine kinase; plus strand). Cytogenetic location: 7q31.2.
Variant type: single nucleotide variant.
Coding change: c.2265-20T>A on transcript NM_000245.4 (MANE Select); 20 bases into the intron before coding-DNA position 2265, T replaced by A.
Molecular consequence: intron variant. On other transcripts: missense variant (1).
Genome position (GRCh38, 1-based): chr7:116,759,371, T>A. VCF-style: chr7-116759371-T-A. GRCh37 (hg19) VCF-style: chr7-116399425-T-A.
Other names: c.2299T>A, p.Phe767Ile (NM_001127500.3); c.975-20T>A (NM_001324402.2); c.2265-20T>A (NM_001324401.3); short protein forms F767I.
Identifiers: ClinVar variation 4648354 (VCV004648354.1).